The following is an entry in ClinVar:

NM_000059.4(BRCA2):c.5459_5460dup (p.Lys1821fs)

Gene: BRCA2 (BRCA2 DNA repair associated; plus strand). Cytogenetic location: 13q13.1.
Variant type: Duplication.
Coding change: c.5459_5460dup on transcript NM_000059.4 (MANE Select); coding-DNA positions 5459 to 5460, 2 bases duplicated (GC; older notation c.5459_5460dupGC).
Protein change: p.Lys1821fs; shifts the reading frame from lysine 1821.
Molecular consequence: frameshift variant.
Genome position (GRCh38, 1-based): chr13:32,339,814-32,339,815, GC duplicated. VCF-style (leftmost placement, unchanged base first): chr13-32339813-T-TGC. GRCh37 (hg19) VCF-style: chr13-32913950-T-TGC.
Other names: 5687_5688dupGC; short protein forms K1821fs.
Identifiers: ClinVar variation 266877 (VCV000266877.5), dbSNP rs886040592, ClinGen allele CA10589314.

ClinVar aggregate classification (germline): Pathogenic. Review status: reviewed by expert panel (3 of 4 stars). 2 submissions from 2 submitters: Pathogenic (1). 1 of the submissions does not count toward it. Last evaluated 2016-10-18.

Conditions:
Breast-ovarian cancer, familial, susceptibility to, 2 (BROVCA2). Also called: BRCA2 Hereditary Breast and Ovarian Cancer. Identifiers: Orphanet 145, MedGen C2675520, MONDO:0012933, OMIM 612555. Disease mechanism: loss of function.

Submissions (2):

Evidence-based Network for the Interpretation of Germline Mutant Alleles (ENIGMA)
Classification: Pathogenic for Breast-ovarian cancer, familial, susceptibility to, 2. Last evaluated: 2016-10-18. Review status: reviewed by expert panel. Criteria: ENIGMA BRCA1/2 Classification Criteria (2015). Collection method: curation. Allele origin: germline.
Comment: Variant allele predicted to encode a truncated non-functional protein.

Consortium of Investigators of Modifiers of BRCA1/2 (CIMBA), c/o University of Cambridge
Classification: Pathogenic for Breast-ovarian cancer, familial, susceptibility to, 2. Last evaluated: 2015-10-02. Review status: criteria provided, single submitter. Criteria: CIMBA Mutation Classification guidelines May 2016. Collection method: clinical testing. Allele origin: germline. Not counted in ClinVar's aggregate classification.